The following is an entry in ClinVar:

NM_001042492.3(NF1):c.6376G>A (p.Val2126Ile)

Gene: NF1 (neurofibromin 1; plus strand). Cytogenetic location: 17q11.2.
Variant type: single nucleotide variant.
Coding change: c.6376G>A on transcript NM_001042492.3 (MANE Select); coding-DNA position 6376, G replaced by A.
Protein change: p.Val2126Ile; replaces valine 2126 with isoleucine.
Molecular consequence: missense variant.
Genome position (GRCh38, 1-based): chr17:31,336,863, G>A. VCF-style: chr17-31336863-G-A. GRCh37 (hg19) VCF-style: chr17-29663881-G-A.
Other names: c.6313G>A, p.Val2105Ile (NM_000267.4); short protein forms V2105I, V2126I.
Identifiers: ClinVar variation 575421 (VCV000575421.5), dbSNP rs1567617114, ClinGen allele CA399012853.

ClinVar aggregate classification (germline): Uncertain significance (1 of 4 stars; one submission).

Conditions:
Neurofibromatosis, type 1 (NF1). Also called: Peripheral type neurofibromatosis; Neurofibromatosis, type I; VON RECKLINGHAUSEN DISEASE; NEUROFIBROMATOSIS, TYPE I, SOMATIC. Identifiers: Orphanet 636, MedGen C0027831, MONDO:0018975, OMIM 162200. Disease mechanism: loss of function.

Submission:

Labcorp Genetics (formerly Invitae), Labcorp
Classification: Uncertain significance for Neurofibromatosis, type 1. Last evaluated: 2024-12-08. Review status: criteria provided, single submitter. Criteria: Invitae Variant Classification Sherloc (09022015). Collection method: clinical testing. Allele origin: germline.
Comment: This sequence change replaces valine, which is neutral and non-polar, with isoleucine, which is neutral and non-polar, at codon 2105 of the NF1 protein (p.Val2105Ile). This variant is not present in population databases (gnomAD no frequency). This variant has not been reported in the literature in individuals affected with NF1-related conditions. ClinVar contains an entry for this variant (Variation ID: 575421). Invitae Evidence Modeling of protein sequence and biophysical properties (such as structural, functional, and spatial information, amino acid conservation, physicochemical variation, residue mobility, and thermodynamic stability) indicates that this missense variant is not expected to disrupt NF1 protein function with a negative predictive value of 95%. In summary, the available evidence is currently insufficient to determine the role of this variant in disease. Therefore, it has been classified as a Variant of Uncertain Significance.